The following is an entry in ClinVar:

NM_032242.4(PLXNA1):c.3319C>A (p.Pro1107Thr)

Gene: PLXNA1 (plexin A1; plus strand). Cytogenetic location: 3q21.3.
Variant type: single nucleotide variant.
Coding change: c.3319C>A on transcript NM_032242.4 (MANE Select); coding-DNA position 3319, C replaced by A.
Protein change: p.Pro1107Thr; replaces proline 1107 with threonine.
Molecular consequence: missense variant.
Genome position (GRCh38, 1-based): chr3:127,017,467, C>A. VCF-style: chr3-127017467-C-A. GRCh37 (hg19) VCF-style: chr3-126736310-C-A.
Other names: short protein forms P1107T.
Identifiers: ClinVar variation 4992670 (VCV004992670.1).

ClinVar aggregate classification (germline): Uncertain significance (1 of 4 stars; one submission).

Conditions:
PLXNA1-related disorder. Also called: PLXNA1-related condition.

Submission:

PreventionGenetics, part of Exact Sciences
Classification: Uncertain significance for PLXNA1-related condition. Last evaluated: 2025-10-27. Review status: criteria provided, single submitter. Criteria: ACMG Guidelines, 2015. Collection method: clinical testing. Allele origin: germline.
Comment: The PLXNA1 c.3319C>A variant is predicted to result in the amino acid substitution p.Pro1107Thr. To our knowledge, this variant has not been reported in the literature or in a large population database (gnomAD), indicating this variant is rare. At this time, the clinical significance of this variant is uncertain due to the absence of conclusive functional and genetic evidence.